The following is an entry in ClinVar:

NM_012199.5(AGO1):c.1434T>C (p.Asp478=)

Gene: AGO1 (argonaute RISC component 1; plus strand). Cytogenetic location: 1p34.3.
Variant type: single nucleotide variant.
Coding change: c.1434T>C on transcript NM_012199.5 (MANE Select); coding-DNA position 1434, T replaced by C.
Protein change: p.Asp478=; no amino-acid change (aspartic acid 478 retained).
Molecular consequence: synonymous variant.
Genome position (GRCh38, 1-based): chr1:35,906,971, T>C. VCF-style: chr1-35906971-T-C. GRCh37 (hg19) VCF-style: chr1-36372572-T-C.
Other names: c.1434T>C, p.Asp478= (NM_001317122.2); c.1209T>C, p.Asp403= (NM_001317123.2).
Identifiers: ClinVar variation 4084493 (VCV004084493.8).
Genomic context (GRCh38, chr1:35,906,971, plus strand): 5'-CTTTGTGACCATGCGTGTGTACAGGAACTTCACAGACCAGCTGCGGAAGATTTCCAAGGA[T>C]GCGGGGATGCCTATCCAGGGTCAACCTTGTTTCTGCAAATATGCACAGGGGGCAGACAGC-3'
Protein context (NP_036331.1, residues 468-488): FTDQLRKISK[Asp478=]AGMPIQGQPC

ClinVar aggregate classification (germline): Likely benign (1 of 4 stars; one submission).

gnomAD v4.1: 29 of 1,613,852 alleles (0.0018%); highest among the groups gnomAD compares: Non-Finnish European, 0.00025%; no homozygotes.

Submission:

CeGaT Center for Human Genetics Tuebingen
Classification: Likely benign. Last evaluated: 2025-08-01. Review status: criteria provided, single submitter. Criteria: CeGaT Center For Human Genetics Tuebingen Variant Classification Criteria Version 2. Collection method: clinical testing. Allele origin: germline. Affected: yes. Observed: 1 variant allele.
Comment: AGO1: BP4, BP7